The following is an entry in ClinVar:

ClinVar aggregate classification (germline): Uncertain significance (1 of 4 stars; one submission).

Submission:

Labcorp Genetics (formerly Invitae), Labcorp
Classification: Uncertain significance. Last evaluated: 2022-03-20. Review status: criteria provided, single submitter. Criteria: Invitae Variant Classification Sherloc (09022015). Collection method: clinical testing. Allele origin: germline.
Comment: This sequence change creates a premature translational stop signal (p.Gly218Leufs*12) in the EXOSC2 gene. It is expected to result in an absent or disrupted protein product. However, the current clinical and genetic evidence is not sufficient to establish whether loss-of-function variants in EXOSC2 cause disease. In summary, the available evidence is currently insufficient to determine the role of this variant in disease. Therefore, it has been classified as a Variant of Uncertain Significance. This variant has not been reported in the literature in individuals affected with EXOSC2-related conditions. This variant is not present in population databases (gnomAD no frequency).

NM_014285.7(EXOSC2):c.648_649del (p.Gly218fs)

Gene: EXOSC2 (exosome component 2; plus strand). Cytogenetic location: 9q34.12.
Variant type: Deletion.
Coding change: c.648_649del on transcript NM_014285.7 (MANE Select); coding-DNA positions 648 to 649, 2 bases deleted (AG; older notation c.648_649delAG).
Protein change: p.Gly218fs; shifts the reading frame from glycine 218.
Molecular consequence: frameshift variant. On other transcripts: non-coding transcript variant (1).
Genome position (GRCh38, 1-based): chr9:130,702,286-130,702,287, AG deleted. VCF-style (leftmost placement, unchanged base first): chr9-130702285-CAG-C. GRCh37 (hg19) VCF-style: chr9-133577672-CAG-C.
Other names: c.570_571del, p.Gly192fs (NM_001282708.1); c.558_559del, p.Gly188fs (NM_001282709.1); short protein forms G192fs, G218fs, G188fs.
Identifiers: ClinVar variation 2077427 (VCV002077427.3), dbSNP rs2490801124, ClinGen allele CA2580079830.
Genomic context (GRCh38, chr9:130,702,285, plus strand): 5'-TTCTCGGTAACAACGGCTTCATCTGGATTTACCCAACACCTGAGCACAAAGAAGAGGAAG[CAG>C]GGGGCTTCATTGCAAACCTGGAGGTGAGCAAACACTGTGGCCATTTTCAGTGGGATGGAG-3'